The following is an entry in ClinVar:

ClinVar aggregate classification (germline): Likely benign (1 of 4 stars; one submission).

Allele frequency attached by ClinVar (database versions not stated): gnomAD exomes 0.00024; ExAC 0.00101; gnomAD 0.00279; TOPMed 0.00301; 1000 Genomes Project 30x 0.00375; 1000 Genomes Project 0.00379; ESP Exome Variant Server 0.00415.
gnomAD v4.1: 809 of 1,614,036 alleles (0.05%); highest among the groups gnomAD compares: African/African-American, 0.91%; 5 homozygotes.

Submission:

CeGaT Center for Human Genetics Tuebingen
Classification: Likely benign. Last evaluated: 2023-02-01. Review status: criteria provided, single submitter. Criteria: CeGaT Center For Human Genetics Tuebingen Variant Classification Criteria Version 2. Collection method: clinical testing. Allele origin: germline. Affected: yes. Observed: 1 variant allele.
Comment: CKAP5: BP4, BP7, BS2

NM_001008938.4(CKAP5):c.2952T>C (p.Ser984=)

Gene: CKAP5 (cytoskeleton associated protein 5; minus strand). Cytogenetic location: 11p11.2.
Variant type: single nucleotide variant.
Coding change: c.2952T>C on transcript NM_001008938.4 (MANE Select); coding-DNA position 2952, T replaced by C.
Protein change: p.Ser984=; no amino-acid change (serine 984 retained).
Molecular consequence: synonymous variant.
Genome position (GRCh38, 1-based): chr11:46,776,294, A>G on the plus strand (T>C on the coding strand, the complement: CKAP5 is on the minus strand). VCF-style: chr11-46776294-A-G. GRCh37 (hg19) VCF-style: chr11-46797844-A-G.
Other names: c.2952T>C, p.Ser984= (NM_014756.4).
Identifiers: ClinVar variation 2641754 (VCV002641754.24), dbSNP rs112595943, ClinGen allele CA5968212.